The following is an entry in ClinVar:

NM_000531.6(OTC):c.131C>T (p.Thr44Ile)

Gene: OTC (ornithine transcarbamylase; plus strand). Cytogenetic location: Xp11.4.
Variant type: single nucleotide variant.
Coding change: c.131C>T on transcript NM_000531.6 (MANE Select); coding-DNA position 131, C replaced by T.
Protein change: p.Thr44Ile; replaces threonine 44 with isoleucine.
Molecular consequence: missense variant.
Genome position (GRCh38, 1-based): chrX:38,367,344, C>T. VCF-style: chrX-38367344-C-T. GRCh37 (hg19) VCF-style: chrX-38226597-C-T.
Other names: short protein forms T44I.
Identifiers: ClinVar variation 97109 (VCV000097109.5), dbSNP rs72554310, ClinGen allele CA224459.
Genomic context (GRCh38, chrX:38,367,344, plus strand): 5'-TTTACAGGTGTGGACAACCACTACAAAATAAAGTGCAGCTGAAGGGCCGTGACCTTCTCA[C>T]TCTAAAAAACTTTACCGGAGAAGAAATTAAATATATGCTATGGCTATCAGCAGATCTGAA-3'
Protein context (NP_000522.3, residues 34-54): KVQLKGRDLL[Thr44Ile]LKNFTGEEIK

ClinVar aggregate classification (germline): Pathogenic. Review status: criteria provided, single submitter (1 of 4 stars). 2 submissions from 2 submitters: Pathogenic (1). 1 of the submissions does not count toward it. Last evaluated 2022-01-05.

Conditions:
Ornithine carbamoyltransferase deficiency (OTCD). Also called: ORNITHINE TRANSCARBAMYLASE DEFICIENCY, HYPERAMMONEMIA DUE TO; Ornithine Carbamoyltransferase Deficiency Disease; ORNITHINE TRANSCARBAMYLASE DEFICIENCY; OTC DEFICIENCY. Identifiers: Orphanet 664, MedGen C0268542, MONDO:0010703, OMIM 311250.

Submissions (2):

Dasa
Classification: Pathogenic for Ornithine carbamoyltransferase deficiency. Last evaluated: 2022-01-05. Review status: criteria provided, single submitter. Criteria: ACMG Guidelines, 2015. Collection method: clinical testing. Allele origin: germline. Affected: yes. Observed: 1 variant allele.
Comment: The c.131C>T;p.(Thr44Ile) missense variant has been observed in affected individual(s) and ClinVar contains an entry for this variant (Clinvar ID:97109; PMID: 8830175; 17041896; 25994866) - PS4. Well-established in vitro or in vivo functional studies support a damaging effect on the gene or gene product (PMID: 17041896) - PS3_supporting. This variant is not present in population databases (rs72554310, gnomAD; ABraOM no frequency) - PM2. The variant was assumed de novo, but without confirmation of paternity and maternity (PMID:8830175) - PM6. Missense variant in OTC that has a low rate of benign missense variation and in which missense variants are a common mechanism of disease - PP2. Multiple lines of computational evidence support a deleterious effect on the gene or gene product - PP3. Patient’s phenotype is highly specific for a disease with a single genetic etiology - PP4. In summary, the currently available evidence indicates that the variant is pathogenic.

GenMed Metabolism Lab
Classification: Pathogenic. Review status: no assertion criteria provided. Collection method: not provided. Allele origin: unknown. Not counted in ClinVar's aggregate classification.
ClinVar note: Converted during submission from pathogenic to Pathogenic.

Literature cited by the submitters: PubMed 8830175 (cited by Dasa); PubMed 17041896 (cited by Dasa); PubMed 25994866 (cited by Dasa); PubMed 25425289 (cited by Dasa).